The following is an entry in ClinVar:

NM_001164508.2(NEB):c.19879_19880insCCCCATGC (p.Val6627fs)

Gene: NEB (nebulin; minus strand). Cytogenetic location: 2q23.3.
Variant type: Insertion.
Coding change: c.19879_19880insCCCCATGC on transcript NM_001164508.2 (MANE Select); coding-DNA positions 19879 to 19880, CCCCATGC inserted.
Protein change: p.Val6627fs; shifts the reading frame from valine 6627.
Molecular consequence: frameshift variant.
Genome position: GRCh38 VCF-style: chr2-151551802-A-AGCATGGGG. GRCh37 (hg19) VCF-style: chr2-152408316-A-AGCATGGGG.
Other names: c.19879_19880insCCCCATGC, p.Val6627fs (NM_001164507.2, NM_001271208.2); c.14776_14777insCCCCATGC, p.Val4926fs (NM_004543.5); short protein forms V4926fs, V6627fs.
Identifiers: ClinVar variation 1724141 (VCV001724141.2), dbSNP rs2552183839, ClinGen allele CA2580063925.

ClinVar aggregate classification (germline): Likely pathogenic (1 of 4 stars; one submission).

Conditions:
Nemaline myopathy 2 (NEM2). Also called: Nemaline myopathy 2, autosomal recessive. Identifiers: MedGen C1850569, MONDO:0009725, OMIM 256030.

Submission:

Myriad Genetics, Inc.
Classification: Likely pathogenic for Nemaline myopathy 2. Last evaluated: 2022-01-27. Review status: criteria provided, single submitter. Criteria: Myriad Women's Health Autosomal Recessive and X-Linked Classification Criteria (2021). Collection method: clinical testing. Allele origin: unknown.
Comment: NM_001271208.1(NEB):c.19879_19880ins8(V6627Afs*57) is expected to be pathogenic in the context of NEB-related nemaline myopathy. This variant is predicted to lead to an abnormal or absent protein product due to the creation of a premature termination codon in NEB, a gene where loss-of-function variants are known to be pathogenic. Please note: this variant was assessed in the context of healthy population screening.